The following is an entry in ClinVar:

NM_001008537.3(NEXMIF):c.2899T>A (p.Cys967Ser)

Gene: NEXMIF (neurite extension and migration factor; minus strand). Cytogenetic location: Xq13.3.
Variant type: single nucleotide variant.
Coding change: c.2899T>A on transcript NM_001008537.3 (MANE Select); coding-DNA position 2899, T replaced by A.
Protein change: p.Cys967Ser; replaces cysteine 967 with serine.
Molecular consequence: missense variant.
Genome position (GRCh38, 1-based): chrX:74,741,658, A>T on the plus strand (T>A on the coding strand, the complement: NEXMIF is on the minus strand). VCF-style: chrX-74741658-A-T. GRCh37 (hg19) VCF-style: chrX-73961493-A-T.
Other names: short protein forms C967S.
Identifiers: ClinVar variation 1308743 (VCV001308743.2), dbSNP rs2147439863, ClinGen allele CA413667181.

ClinVar aggregate classification (germline): Uncertain significance (1 of 4 stars; one submission).

Submission:

GeneDx
Classification: Uncertain significance. Last evaluated: 2019-10-01. Review status: criteria provided, single submitter. Criteria: GeneDx Variant Classification Process June 2021. Collection method: clinical testing. Allele origin: germline. Affected: yes.
Comment: Not observed in large population cohorts (Lek et al., 2016); In silico analysis, which includes protein predictors and evolutionary conservation, supports a deleterious effect; Has not been previously published as pathogenic or benign to our knowledge